The following is an entry in ClinVar:

ClinVar aggregate classification (germline): Uncertain significance (1 of 4 stars; one submission).

Conditions:
Osteogenesis imperfecta type I (OI1). Also called: OI, TYPE I; OSTEOGENESIS IMPERFECTA TARDA; OSTEOGENESIS IMPERFECTA WITH BLUE SCLERAE; Osteogenesis imperfecta type 1; Lobstein's Disease; Lobstein disease. Identifiers: Orphanet 216796, Orphanet 666, MedGen C0023931, MONDO:0008146, OMIM 166200. Disease mechanism: loss of function.

Submission:

Labcorp Genetics (formerly Invitae), Labcorp
Classification: Uncertain significance for Osteogenesis imperfecta type I. Last evaluated: 2023-07-17. Review status: criteria provided, single submitter. Criteria: Invitae Variant Classification Sherloc (09022015). Collection method: clinical testing. Allele origin: germline.
Comment: This sequence change replaces serine, which is neutral and polar, with proline, which is neutral and non-polar, at codon 936 of the COL1A1 protein (p.Ser936Pro). In summary, the available evidence is currently insufficient to determine the role of this variant in disease. Therefore, it has been classified as a Variant of Uncertain Significance. Advanced modeling of protein sequence and biophysical properties (such as structural, functional, and spatial information, amino acid conservation, physicochemical variation, residue mobility, and thermodynamic stability) performed at Invitae indicates that this missense variant is not expected to disrupt COL1A1 protein function. ClinVar contains an entry for this variant (Variation ID: 456759). This variant has not been reported in the literature in individuals affected with COL1A1-related conditions. This variant is not present in population databases (gnomAD no frequency).

NM_000088.4(COL1A1):c.2806T>C (p.Ser936Pro)

Gene: COL1A1 (collagen type I alpha 1 chain; minus strand). Cytogenetic location: 17q21.33.
Variant type: single nucleotide variant.
Coding change: c.2806T>C on transcript NM_000088.4 (MANE Select); coding-DNA position 2806, T replaced by C.
Protein change: p.Ser936Pro; replaces serine 936 with proline.
Molecular consequence: missense variant.
Genome position (GRCh38, 1-based): chr17:50,189,400, A>G on the plus strand (T>C on the coding strand, the complement: COL1A1 is on the minus strand). VCF-style: chr17-50189400-A-G. GRCh37 (hg19) VCF-style: chr17-48266761-A-G.
Other names: short protein forms S936P.
Identifiers: ClinVar variation 456759 (VCV000456759.9), dbSNP rs1555572452, ClinGen allele CA400205507.